The following is an entry in ClinVar:

ClinVar aggregate classification (germline): Uncertain significance (1 of 4 stars; one submission).

Submission:

Women's Health and Genetics/Laboratory Corporation of America, LabCorp
Classification: Uncertain significance. Last evaluated: 2024-04-08. Review status: criteria provided, single submitter. Criteria: LabCorp Variant Classification Summary - May 2015. Collection method: clinical testing. Allele origin: germline.
Comment: Variant summary: COL4A5 c.4554C>A (p.Phe1518Leu) results in a non-conservative amino acid change located in the Collagen IV, non-collagenous domain of the encoded protein sequence. Four of four in-silico tools predict a damaging effect of the variant on protein function. The variant was absent in 183131 control chromosomes. The available data on variant occurrences in the general population are insufficient to allow any conclusion about variant significance. To our knowledge, no occurrence of c.4554C>A in individuals affected with Alport Syndrome 1, X-Linked Recessive and no experimental evidence demonstrating its impact on protein function have been reported. No submitters have cited clinical-significance assessments for this variant to ClinVar. Based on the evidence outlined above, the variant was classified as uncertain significance.

NM_033380.3(COL4A5):c.4572C>A (p.Phe1524Leu)

Gene: COL4A5 (collagen type IV alpha 5 chain; plus strand). Cytogenetic location: Xq22.3.
Variant type: single nucleotide variant.
Coding change: c.4572C>A on transcript NM_033380.3 (MANE Select); coding-DNA position 4572, C replaced by A.
Protein change: p.Phe1524Leu; replaces phenylalanine 1524 with leucine.
Molecular consequence: missense variant.
Genome position (GRCh38, 1-based): chrX:108,692,791, C>A. VCF-style: chrX-108692791-C-A. GRCh37 (hg19) VCF-style: chrX-107936021-C-A.
Other names: c.4554C>A, p.Phe1518Leu (NM_000495.5); short protein forms F1518L, F1524L.
Identifiers: ClinVar variation 3251428 (VCV003251428.1), dbSNP rs2524645949.
Genomic context (GRCh38, chrX:108,692,791, plus strand): 5'-TCTCCAAATCTTTCTAGGGACGGCTGGCAGCTGCCTTCGTCGCTTTAGTACCATGCCTTT[C>A]ATGTTCTGCAACATCAATAATGTTTGCAACTTTGCTTCAAGAAATGACTATTCTTACTGG-3'
Protein context (NP_203699.1, residues 1514-1534): SCLRRFSTMP[Phe1524Leu]MFCNINNVCN